The following is an entry in ClinVar:

ClinVar aggregate classification (germline): Uncertain significance (1 of 4 stars; one submission).

Allele frequency attached by ClinVar (database versions not stated): ExAC 0.00017; 1000 Genomes Project 0.00080; TOPMed 0.00042; ESP Exome Variant Server 0.00038; 1000 Genomes Project 30x 0.00078; gnomAD exomes 0.00007; gnomAD 0.00040.
gnomAD v4.1: 169 of 1,614,080 alleles (0.01%); highest among the groups gnomAD compares: African/African-American, 0.15%; no homozygotes.

Submission:

Labcorp Genetics (formerly Invitae), Labcorp
Classification: Uncertain significance. Last evaluated: 2026-01-31. Review status: criteria provided, single submitter. Criteria: Invitae Variant Classification Sherloc (09022015). Collection method: clinical testing. Allele origin: germline.
Comment: This sequence change replaces valine, which is neutral and non-polar, with methionine, which is neutral and non-polar, at codon 95 of the ADGRE2 protein (p.Val95Met). This variant is present in population databases (rs115448457, gnomAD 0.2%), and has an allele count higher than expected for a pathogenic variant. This variant has not been reported in the literature in individuals affected with ADGRE2-related conditions. ClinVar contains an entry for this variant (Variation ID: 2890266). An algorithm developed to predict the effect of missense changes on protein structure and function outputs the following: PolyPhen-2: "Benign". The methionine amino acid residue is found in multiple mammalian species, which suggests that this missense change does not adversely affect protein function. In summary, the available evidence is currently insufficient to determine the role of this variant in disease. Therefore, it has been classified as a Variant of Uncertain Significance.

NM_013447.4(ADGRE2):c.283G>A (p.Val95Met)

Gene: ADGRE2 (adhesion G protein-coupled receptor E2; minus strand). Cytogenetic location: 19p13.12.
Variant type: single nucleotide variant.
Coding change: c.283G>A on transcript NM_013447.4 (MANE Select); coding-DNA position 283, G replaced by A.
Protein change: p.Val95Met; replaces valine 95 with methionine.
Molecular consequence: missense variant.
Genome position (GRCh38, 1-based): chr19:14,772,414, C>T on the plus strand (G>A on the coding strand, the complement: ADGRE2 is on the minus strand). VCF-style: chr19-14772414-C-T. GRCh37 (hg19) VCF-style: chr19-14883226-C-T.
Other names: c.283G>A, p.Val95Met (NM_001271052.1, NM_152916.2, NM_152917.2); short protein forms V95M.
Identifiers: ClinVar variation 2890266 (VCV002890266.3), dbSNP rs115448457, ClinGen allele CA9258225.